The following is an entry in ClinVar:

NM_014225.6(PPP2R1A):c.1315T>C (p.Phe439Leu)

Gene: PPP2R1A (protein phosphatase 2 scaffold subunit Aalpha; plus strand). Cytogenetic location: 19q13.41.
Variant type: single nucleotide variant.
Coding change: c.1315T>C on transcript NM_014225.6 (MANE Select); coding-DNA position 1315, T replaced by C.
Protein change: p.Phe439Leu; replaces phenylalanine 439 with leucine.
Molecular consequence: missense variant. On other transcripts: non-coding transcript variant (1).
Genome position (GRCh38, 1-based): chr19:52,220,201, T>C. VCF-style: chr19-52220201-T-C. GRCh37 (hg19) VCF-style: chr19-52723454-T-C.
Other names: c.778T>C, p.Phe260Leu (NM_001363656.2); short protein forms F260L, F439L.
Identifiers: ClinVar variation 2812252 (VCV002812252.3), dbSNP rs2514099519, ClinGen allele CA407189749.

ClinVar aggregate classification (germline): Uncertain significance (1 of 4 stars; one submission).

Submission:

Labcorp Genetics (formerly Invitae), Labcorp
Classification: Uncertain significance. Last evaluated: 2022-11-05. Review status: criteria provided, single submitter. Criteria: Invitae Variant Classification Sherloc (09022015). Collection method: clinical testing. Allele origin: germline.
Comment: In summary, the available evidence is currently insufficient to determine the role of this variant in disease. Therefore, it has been classified as a Variant of Uncertain Significance. Advanced modeling of protein sequence and biophysical properties (such as structural, functional, and spatial information, amino acid conservation, physicochemical variation, residue mobility, and thermodynamic stability) performed at Invitae indicates that this missense variant is expected to disrupt PPP2R1A protein function. This variant has not been reported in the literature in individuals affected with PPP2R1A-related conditions. This variant is not present in population databases (gnomAD no frequency). This sequence change replaces phenylalanine, which is neutral and non-polar, with leucine, which is neutral and non-polar, at codon 439 of the PPP2R1A protein (p.Phe439Leu).